The following is an entry in ClinVar:

NM_022124.6(CDH23):c.584A>G (p.Tyr195Cys)

Gene: CDH23 (cadherin related 23; plus strand). Cytogenetic location: 10q22.1.
Variant type: single nucleotide variant.
Coding change: c.584A>G on transcript NM_022124.6 (MANE Select); coding-DNA position 584, A replaced by G.
Protein change: p.Tyr195Cys; replaces tyrosine 195 with cysteine.
Molecular consequence: missense variant.
Genome position (GRCh38, 1-based): chr10:71,566,896, A>G. VCF-style: chr10-71566896-A-G. GRCh37 (hg19) VCF-style: chr10-73326653-A-G.
Other names: c.584A>G, p.Tyr195Cys (NM_001171930.2, NM_001171931.2, NM_001171932.2 and 1 more transcripts); c.584A>G (NM_022124.5); short protein forms Y195C.
Identifiers: ClinVar variation 2000742 (VCV002000742.2), dbSNP rs2493464211, ClinGen allele CA377112208.

ClinVar aggregate classification (germline): Uncertain significance. Review status: criteria provided, multiple submitters, no conflicts (2 of 4 stars). 2 submissions from 2 submitters: Uncertain significance (2). Last evaluated 2025-05-08.

Submissions (2):

GeneDx
Classification: Uncertain significance. Last evaluated: 2025-05-08. Review status: criteria provided, single submitter. Criteria: GeneDx Variant Classification Process June 2021. Collection method: clinical testing. Allele origin: germline. Affected: yes.
Comment: Not observed at significant frequency in large population cohorts (gnomAD); In silico analysis supports that this missense variant has a deleterious effect on protein structure/function; Has not been previously published as pathogenic or benign to our knowledge

Labcorp Genetics (formerly Invitae), Labcorp
Classification: Uncertain significance. Last evaluated: 2022-05-29. Review status: criteria provided, single submitter. Criteria: Invitae Variant Classification Sherloc (09022015). Collection method: clinical testing. Allele origin: germline.
Comment: This sequence change replaces tyrosine, which is neutral and polar, with cysteine, which is neutral and slightly polar, at codon 195 of the CDH23 protein (p.Tyr195Cys). This variant is not present in population databases (gnomAD no frequency). This variant has not been reported in the literature in individuals affected with CDH23-related conditions. Algorithms developed to predict the effect of missense changes on protein structure and function are either unavailable or do not agree on the potential impact of this missense change (SIFT: "Deleterious"; PolyPhen-2: "Not Available"; Align-GVGD: "Class C0"). In summary, the available evidence is currently insufficient to determine the role of this variant in disease. Therefore, it has been classified as a Variant of Uncertain Significance.